The following is an entry in ClinVar:

NM_022552.5(DNMT3A):c.1280A>G (p.Glu427Gly)

Gene: DNMT3A (DNA methyltransferase 3 alpha; minus strand). Cytogenetic location: 2p23.3.
Variant type: single nucleotide variant.
Coding change: c.1280A>G on transcript NM_022552.5 (MANE Select); coding-DNA position 1280, A replaced by G.
Protein change: p.Glu427Gly; replaces glutamic acid 427 with glycine.
Molecular consequence: missense variant. On other transcripts: non-coding transcript variant (1).
Genome position (GRCh38, 1-based): chr2:25,246,309, T>C on the plus strand (A>G on the coding strand, the complement: DNMT3A is on the minus strand). VCF-style: chr2-25246309-T-C. GRCh37 (hg19) VCF-style: chr2-25469178-T-C.
Other names: c.1280A>G (NM_022552.3); c.824A>G, p.Glu275Gly (NM_001320893.1); c.611A>G, p.Glu204Gly (NM_001375819.1); c.713A>G, p.Glu238Gly (NM_153759.3); c.1280A>G, p.Glu427Gly (NM_175629.2); short protein forms E275G, E204G, E238G, E427G.
Identifiers: ClinVar variation 2703891 (VCV002703891.6), dbSNP rs753259596, ClinGen allele CA1556075.

ClinVar aggregate classification (germline): Uncertain significance. Review status: criteria provided, multiple submitters, no conflicts (2 of 4 stars). 3 submissions from 3 submitters: Uncertain significance (2). 1 of the submissions does not count toward it. Last evaluated 2025-01-01.

Conditions:
Tatton-Brown-Rahman overgrowth syndrome. Also called: Tall stature-intellectual disability-facial dysmorphism syndrome; Tatton-Brown-Rahman syndrome. Identifiers: Orphanet 404443, MedGen C4014545, MONDO:0014382, OMIM 615879.
DNMT3A-related disorder. Also called: DNMT3A-related disorders; DNMT3A-related condition.
Inborn genetic diseases. Identifiers: MedGen C0950123, MeSH D030342.

Allele frequency attached by ClinVar (database versions not stated): gnomAD exomes below 0.00001; TOPMed below 0.00001; ExAC 0.00001.
gnomAD v4.1: 1 of 1,598,062 alleles (0.000063%); highest among the groups gnomAD compares: Non-Finnish European, 0.000085%; no homozygotes.

Submissions (3):

Ambry Genetics
Classification: Uncertain significance for Inborn genetic diseases. Last evaluated: 2025-01-01. Review status: criteria provided, single submitter. Criteria: Ambry Variant Classification Scheme 2023. Collection method: clinical testing. Allele origin: germline.
Comment: The p.E427G variant (also known as c.1280A>G) is located in coding exon 10 of the DNMT3A gene. The glutamic acid at codon 427 is replaced by glycine, an amino acid with similar properties. This change occurs in the first base pair of coding exon 10. This amino acid position is conserved. In addition, the in silico prediction for this alteration is inconclusive. Based on the available evidence, the clinical significance of this variant remains unclear.

Labcorp Genetics (formerly Invitae), Labcorp
Classification: Uncertain significance for Tatton-Brown-Rahman overgrowth syndrome. Last evaluated: 2023-03-08. Review status: criteria provided, single submitter. Criteria: Invitae Variant Classification Sherloc (09022015). Collection method: clinical testing. Allele origin: germline.
Comment: This variant has not been reported in the literature in individuals affected with DNMT3A-related conditions. An algorithm developed to predict the effect of missense changes on protein structure and function (PolyPhen-2) suggests that this variant is likely to be tolerated. Algorithms developed to predict the effect of sequence changes on RNA splicing suggest that this variant may disrupt the consensus splice site. In summary, the available evidence is currently insufficient to determine the role of this variant in disease. Therefore, it has been classified as a Variant of Uncertain Significance. This variant is present in population databases (rs753259596, gnomAD 0.0009%). This sequence change replaces glutamic acid, which is acidic and polar, with glycine, which is neutral and non-polar, at codon 427 of the DNMT3A protein (p.Glu427Gly).

PreventionGenetics, part of Exact Sciences
Classification: Uncertain significance for DNMT3A-related condition. Last evaluated: 2023-12-19. Review status: no assertion criteria provided. Collection method: clinical testing. Allele origin: germline. Not counted in ClinVar's aggregate classification.
Comment: The DNMT3A c.1280A>G variant is predicted to result in the amino acid substitution p.Glu427Gly. To our knowledge, this variant has not been reported in the literature. This variant is reported in 0.00092% of alleles in individuals of European (Non-Finnish) descent in gnomAD. At this time, the clinical significance of this variant is uncertain due to the absence of conclusive functional and genetic evidence.